The following is an entry in ClinVar:

NM_000135.4(FANCA):c.572T>C (p.Val191Ala)

Gene: FANCA (FA complementation group A; minus strand). Cytogenetic location: 16q24.3.
Variant type: single nucleotide variant.
Coding change: c.572T>C on transcript NM_000135.4 (MANE Select); coding-DNA position 572, T replaced by C.
Protein change: p.Val191Ala; replaces valine 191 with alanine.
Molecular consequence: missense variant.
Genome position (GRCh38, 1-based): chr16:89,808,318, A>G on the plus strand (T>C on the coding strand, the complement: FANCA is on the minus strand). VCF-style: chr16-89808318-A-G. GRCh37 (hg19) VCF-style: chr16-89874726-A-G.
Other names: c.572T>C, p.Val191Ala (NM_001018112.3, NM_001286167.3); c.476T>C, p.Val159Ala (NM_001351830.2); short protein forms V159A, V191A.
Identifiers: ClinVar variation 4254147 (VCV004254147.1).

ClinVar aggregate classification (germline): Uncertain significance (1 of 4 stars; one submission).

Conditions:
Inborn genetic diseases. Identifiers: MedGen C0950123, MeSH D030342.

gnomAD v4.1: 11 of 1,614,060 alleles (0.00068%); highest among the groups gnomAD compares: Non-Finnish European, 0.00076%; no homozygotes.

Submission:

Ambry Genetics
Classification: Uncertain significance for Inborn genetic diseases. Last evaluated: 2025-06-22. Review status: criteria provided, single submitter. Criteria: Ambry Variant Classification Scheme 2023. Collection method: clinical testing. Allele origin: germline.
Comment: The p.V191A variant (also known as c.572T>C), located in coding exon 6 of the FANCA gene, results from a T to C substitution at nucleotide position 572. The valine at codon 191 is replaced by alanine, an amino acid with similar properties. This amino acid position is conserved. In addition, this alteration is predicted to be tolerated by in silico analysis. Based on the available evidence, the clinical significance of this variant remains unclear.